The following is an entry in ClinVar:

NM_001098537.3(PNPLA7):c.3683T>C (p.Ile1228Thr)

Gene: PNPLA7 (patatin like domain 7, lysophospholipase; minus strand). Cytogenetic location: 9q34.3.
Variant type: single nucleotide variant.
Coding change: c.3683T>C on transcript NM_001098537.3 (MANE Select); coding-DNA position 3683, T replaced by C.
Protein change: p.Ile1228Thr; replaces isoleucine 1228 with threonine.
Molecular consequence: missense variant.
Genome position (GRCh38, 1-based): chr9:137,462,004, A>G on the plus strand (T>C on the coding strand, the complement: PNPLA7 is on the minus strand). VCF-style: chr9-137462004-A-G. GRCh37 (hg19) VCF-style: chr9-140356456-A-G.
Other names: c.3608T>C, p.Ile1203Thr (NM_152286.5); short protein forms I1203T, I1228T.
Identifiers: ClinVar variation 812135 (VCV000812135.1), dbSNP rs368502649, ClinGen allele CA5370815.

ClinVar aggregate classification (germline): Uncertain significance (1 of 4 stars; one submission).

Conditions:
Premature ovarian insufficiency (POF). Also called: Premature ovarian failure. Identifiers: MedGen C4303540, HP:0008209.

Allele frequency attached by ClinVar (database versions not stated): gnomAD exomes 0.00003 and 0.00002; gnomAD 0.00004 and 0.00003; TOPMed 0.00008; ESP Exome Variant Server 0.00008; ExAC 0.00001.

Submission:

Lupski Lab, Baylor-Hopkins CMG, Baylor College of Medicine
Classification: Uncertain significance for Primary Ovarian Insufficiency. Last evaluated: 2019-04-22. Review status: criteria provided, single submitter. Criteria: Jolly et al. (J Clin Endocrinol Metab. 2019). Collection method: research. Allele origin: inherited, unknown. Inheritance: Autosomal recessive inheritance. Affected: yes and no. Observed: 4 variant alleles, 3 heterozygotes, 1 homozygote. Clinical features observed: Hypergonadotropic hypogonadism (HP:0000815), Hashimoto thyroiditis (HP:0000872).